The following is an entry in ClinVar:

ClinVar aggregate classification (germline): Uncertain significance (1 of 4 stars; one submission).

gnomAD v4.1: 1 of 1,614,172 alleles (0.000062%); no homozygotes.

Submission:

Mayo Clinic Laboratories, Mayo Clinic
Classification: Uncertain significance. Last evaluated: 2025-10-19. Review status: criteria provided, single submitter. Criteria: ACMG Guidelines, 2015. Collection method: clinical testing. Allele origin: germline. Observed: 1 variant allele.
Comment: BP4_moderate, PM2_supporting

NM_032578.4(MYPN):c.3943G>A (p.Val1315Met)

Gene: MYPN (myopalladin; plus strand). Cytogenetic location: 10q21.3.
Variant type: single nucleotide variant.
Coding change: c.3943G>A on transcript NM_032578.4 (MANE Select); coding-DNA position 3943, G replaced by A.
Protein change: p.Val1315Met; replaces valine 1315 with methionine.
Molecular consequence: missense variant. On other transcripts: non-coding transcript variant (2).
Genome position (GRCh38, 1-based): chr10:68,210,435, G>A. VCF-style: chr10-68210435-G-A. GRCh37 (hg19) VCF-style: chr10-69970192-G-A.
Other names: p.Val1315Met; c.3061G>A, p.Val1021Met (NM_001256268.2); c.3943G>A, p.Val1315Met (NM_001256267.2); short protein forms V1315M, V1021M.
Identifiers: ClinVar variation 4541544 (VCV004541544.1).